The following is an entry in ClinVar:

NM_000092.5(COL4A4):c.5052G>C (p.Gln1684His)

Gene: COL4A4 (collagen type IV alpha 4 chain; minus strand). Cytogenetic location: 2q36.3.
Variant type: single nucleotide variant.
Coding change: c.5052G>C on transcript NM_000092.5 (MANE Select); coding-DNA position 5052, G replaced by C.
Protein change: p.Gln1684His; replaces glutamine 1684 with histidine.
Molecular consequence: missense variant.
Genome position (GRCh38, 1-based): chr2:227,007,346, C>G on the plus strand (G>C on the coding strand, the complement: COL4A4 is on the minus strand). VCF-style: chr2-227007346-C-G. GRCh37 (hg19) VCF-style: chr2-227872062-C-G.
Other names: short protein forms Q1684H.
Identifiers: ClinVar variation 4960233 (VCV004960233.2).

ClinVar aggregate classification (germline): Uncertain significance. Review status: criteria provided, multiple submitters, no conflicts (2 of 4 stars). 2 submissions from 2 submitters: Uncertain significance (2). Last evaluated 2026-06-17.

Conditions:
Alport syndrome. Also called: Hemorrhagic familial nephritis; Hemorrhagic hereditary nephritis; Congenital hereditary hematuria. Identifiers: Orphanet 63, MedGen C1567741, MONDO:0018965.

gnomAD v4.1: 1 of 1,614,252 alleles (0.000062%); highest among the groups gnomAD compares: Admixed American, 0.0017%; no homozygotes.

Submissions (2):

Myriad Genetics, Inc.
Classification: Uncertain significance for Alport syndrome. Last evaluated: 2026-06-17. Review status: criteria provided, single submitter. Criteria: Myriad Autosomal Dominant, Autosomal Recessive and X-Linked Classification Criteria (2023). Collection method: clinical testing. Allele origin: unknown.
Comment: NM_000092.4(COL4A4):c.5052G>C(Q1684H) is a missense variant classified as a variant of uncertain significance in the context of Alport syndrome, COL4A4-related. Q1684H has not been observed in cases with relevant disease. Relevant functional assessments of this variant are not available in the literature. Q1684H has not been observed in referenced population frequency databases. In summary, there is insufficient evidence to classify NM_000092.4(COL4A4):c.5052G>C(Q1684H) as pathogenic or benign. Please note: this variant was assessed in the context of healthy population screening.

Blueprint Genetics
Classification: Uncertain significance. Last evaluated: 2024-09-05. Review status: criteria provided, single submitter. Criteria: ACMG Guidelines, 2015. Collection method: clinical testing. Allele origin: germline.